The following is an entry in ClinVar:

ClinVar aggregate classification (germline): Uncertain significance (1 of 4 stars; one submission).

Submission:

Labcorp Genetics (formerly Invitae), Labcorp
Classification: Uncertain significance. Last evaluated: 2022-06-03. Review status: criteria provided, single submitter. Criteria: Invitae Variant Classification Sherloc (09022015). Collection method: clinical testing. Allele origin: germline.
Comment: This sequence change replaces glycine, which is neutral and non-polar, with aspartic acid, which is acidic and polar, at codon 156 of the COL4A5 protein (p.Gly156Asp). This variant is not present in population databases (gnomAD no frequency). This missense change has been observed in individuals with Alport syndrome (PMID: 20378821; Invitae). It has also been observed to segregate with disease in related individuals. This variant is also known as p.G176D. Algorithms developed to predict the effect of missense changes on protein structure and function are either unavailable or do not agree on the potential impact of this missense change (SIFT: "Tolerated"; PolyPhen-2: "Not Available"; Align-GVGD: "Class C0"). This variant disrupts the p.Gly156 amino acid residue in COL4A5. Other variant(s) that disrupt this residue have been observed in individuals with COL4A5-related conditions (Invitae), which suggests that this may be a clinically significant amino acid residue. In summary, the available evidence is currently insufficient to determine the role of this variant in disease. Therefore, it has been classified as a Variant of Uncertain Significance.

Literature cited by the submitters: PubMed 20378821.

NM_033380.3(COL4A5):c.467G>A (p.Gly156Asp)

Gene: COL4A5 (collagen type IV alpha 5 chain; plus strand). Cytogenetic location: Xq22.3.
Variant type: single nucleotide variant.
Coding change: c.467G>A on transcript NM_033380.3 (MANE Select); coding-DNA position 467, G replaced by A.
Protein change: p.Gly156Asp; replaces glycine 156 with aspartic acid.
Molecular consequence: missense variant.
Genome position (GRCh38, 1-based): chrX:108,573,575, G>A. VCF-style: chrX-108573575-G-A. GRCh37 (hg19) VCF-style: chrX-107816805-G-A.
Other names: c.467G>A, p.Gly156Asp (NM_000495.5); short protein forms G156D.
Identifiers: ClinVar variation 2138682 (VCV002138682.4), dbSNP rs2066099190, ClinGen allele CA413920705.